The following is an entry in ClinVar:

ClinVar aggregate classification (germline): Uncertain significance. Review status: criteria provided, multiple submitters, no conflicts (2 of 4 stars). 3 submissions from 3 submitters: Uncertain significance (3). Last evaluated 2024-03-27.

Conditions:
Nephrolithiasis/nephrocalcinosis. Identifiers: MedGen CN580796.
Familial hypocalciuric hypercalcemia (FHH). Also called: Familial benign hypercalcemia. Identifiers: Orphanet 405, MedGen C1809471, MONDO:0018458.
Autosomal dominant hypocalcemia 1 (HYPOC1). Also called: HYPOCALCEMIA, FAMILIAL. Identifiers: MedGen C3715128, MONDO:0011013, OMIM 601198.
Familial hypocalciuric hypercalcemia 1. Also called: Hypercalcemia, familial benign type 1. Identifiers: Orphanet 405, Orphanet 93372, MedGen C0342637, MONDO:0007791, OMIM 145980.
Neonatal severe primary hyperparathyroidism. Identifiers: Orphanet 417, MedGen C1832615, MONDO:0009397, OMIM 239200.
Epilepsy, idiopathic generalized, susceptibility to, 8. Identifiers: MedGen C2752062, MONDO:0013032, OMIM 612899.

Submissions (3):

Labcorp Genetics (formerly Invitae), Labcorp
Classification: Uncertain significance for Familial hypocalciuric hypercalcemia; Autosomal dominant hypocalcemia 1. Last evaluated: 2024-03-27. Review status: criteria provided, single submitter. Criteria: Invitae Variant Classification Sherloc (09022015). Collection method: clinical testing. Allele origin: germline.
Comment: This variant, c.2804_2836dup, results in the insertion of 11 amino acid(s) of the CASR protein (p.Pro935_Gln945dup), but otherwise preserves the integrity of the reading frame. This variant is not present in population databases (gnomAD no frequency). This variant has not been reported in the literature in individuals affected with CASR-related conditions. ClinVar contains an entry for this variant (Variation ID: 1012068). Experimental studies and prediction algorithms are not available or were not evaluated, and the functional significance of this variant is currently unknown. In summary, the available evidence is currently insufficient to determine the role of this variant in disease. Therefore, it has been classified as a Variant of Uncertain Significance.

Ambry Genetics
Classification: Uncertain significance for Nephrolithiasis/nephrocalcinosis. Last evaluated: 2022-11-17. Review status: criteria provided, single submitter. Criteria: Ambry Variant Classification Scheme 2023. Collection method: clinical testing. Allele origin: germline.
Comment: The c.2804_2836dup33 variant (also known as p.P935_Q945dup), located in coding exon 6 of the CASR gene, results from an in-frame duplication of 33 nucleotides at nucleotide positions 2804 to 2836. This results in the in-frame insertion of 11 amino acids (PLALTQQEQQQ) between codons 935 and 945. Since supporting evidence is limited at this time, the clinical significance of this alteration remains unclear.

Fulgent Genetics
Classification: Uncertain significance for Familial hypocalciuric hypercalcemia 1; Neonatal severe primary hyperparathyroidism; Autosomal dominant hypocalcemia 1; Epilepsy, idiopathic generalized, susceptibility to, 8. Last evaluated: 2022-02-26. Review status: criteria provided, single submitter. Criteria: ACMG Guidelines, 2015. Collection method: clinical testing. Allele origin: unknown.

Literature cited by the submitters: PubMed 30407919 (cited by Ambry Genetics).

NM_000388.4(CASR):c.2804_2836dup (p.Pro935_Gln945dup)

Gene: CASR (calcium sensing receptor; plus strand). Cytogenetic location: 3q21.1.
Variant type: Duplication.
Coding change: c.2804_2836dup on transcript NM_000388.4 (MANE Select); coding-DNA positions 2804 to 2836, 33 bases duplicated.
Protein change: p.Pro935_Gln945dup.
Molecular consequence: inframe insertion.
Genome position (GRCh38, 1-based): chr3:122,284,758-122,284,790, 33 bases duplicated; duplicating any 33 consecutive bases within chr3:122,284,746-122,284,790 gives the same sequence; the c. name uses the placement nearest the transcript's 3' end. GRCh37 (hg19): chr3:122,003,605-122,003,637.
Other names: c.2834_2866dup, p.Pro945_Gln955dup (NM_001178065.2).
Identifiers: ClinVar variation 1012068 (VCV001012068.12), dbSNP rs2074946020, ClinGen allele CA1397872910.